The following is an entry in ClinVar:

NM_001206927.2(DNAH8):c.1767T>G (p.Ile589Met)

Gene: DNAH8 (dynein axonemal heavy chain 8; plus strand). Cytogenetic location: 6p21.2.
Variant type: single nucleotide variant.
Coding change: c.1767T>G on transcript NM_001206927.2 (MANE Select); coding-DNA position 1767, T replaced by G.
Protein change: p.Ile589Met; replaces isoleucine 589 with methionine.
Molecular consequence: missense variant.
Genome position (GRCh38, 1-based): chr6:38,775,756, T>G. VCF-style: chr6-38775756-T-G. GRCh37 (hg19) VCF-style: chr6-38743532-T-G.
Other names: c.1116T>G, p.Ile372Met (NM_001371.4); c.1767T>G (NM_001206927.1); short protein forms I372M, I589M.
Identifiers: ClinVar variation 2189590 (VCV002189590.2), dbSNP rs752736988, ClinGen allele CA3788323.

ClinVar aggregate classification (germline): Uncertain significance. Review status: criteria provided, multiple submitters, no conflicts (2 of 4 stars). 2 submissions from 2 submitters: Uncertain significance (2). Last evaluated 2024-05-08.

Conditions:
Primary ciliary dyskinesia. Also called: Ciliary dyskinesia. Identifiers: Orphanet 244, MedGen C0008780, MONDO:0016575, HP:0012265.

Allele frequency attached by ClinVar (database versions not stated): gnomAD 0.00001; gnomAD exomes 0.00001; ExAC 0.00003; TOPMed 0.00003.
gnomAD v4.1: 10 of 1,571,994 alleles (0.00064%); highest among the groups gnomAD compares: Admixed American, 0.0053%; no homozygotes.

Submissions (2):

Ambry Genetics
Classification: Uncertain significance. Last evaluated: 2024-05-08. Review status: criteria provided, single submitter. Criteria: Ambry Variant Classification Scheme 2023. Collection method: clinical testing. Allele origin: germline.

Labcorp Genetics (formerly Invitae), Labcorp
Classification: Uncertain significance for Primary ciliary dyskinesia. Last evaluated: 2022-02-18. Review status: criteria provided, single submitter. Criteria: Invitae Variant Classification Sherloc (09022015). Collection method: clinical testing. Allele origin: germline.
Comment: This sequence change replaces isoleucine, which is neutral and non-polar, with methionine, which is neutral and non-polar, at codon 589 of the DNAH8 protein (p.Ile589Met). This variant is present in population databases (rs752736988, gnomAD 0.007%). This variant has not been reported in the literature in individuals affected with DNAH8-related conditions. Algorithms developed to predict the effect of missense changes on protein structure and function are either unavailable or do not agree on the potential impact of this missense change (SIFT: "Deleterious"; PolyPhen-2: "Not Available"; Align-GVGD: "Class C0"). Algorithms developed to predict the effect of sequence changes on RNA splicing suggest that this variant may disrupt the consensus splice site. In summary, the available evidence is currently insufficient to determine the role of this variant in disease. Therefore, it has been classified as a Variant of Uncertain Significance.